The following is an entry in ClinVar:

NM_002473.6(MYH9):c.5592+8C>T

Gene: MYH9 (myosin heavy chain 9; minus strand). Cytogenetic location: 22q12.3.
Variant type: single nucleotide variant.
Coding change: c.5592+8C>T on transcript NM_002473.6 (MANE Select); 8 bases into the intron after coding-DNA position 5592, C replaced by T.
Molecular consequence: intron variant.
Genome position (GRCh38, 1-based): chr22:36,284,395, G>A on the plus strand (C>T on the coding strand, the complement: MYH9 is on the minus strand). VCF-style: chr22-36284395-G-A. GRCh37 (hg19) VCF-style: chr22-36680441-G-A.
Identifiers: ClinVar variation 4739803 (VCV004739803.1).

ClinVar aggregate classification (germline): Uncertain significance (1 of 4 stars; one submission).

gnomAD v4.1: 46 of 1,611,242 alleles (0.0029%); highest among the groups gnomAD compares: Non-Finnish European, 0.0037%; no homozygotes.

Submission:

Labcorp Genetics (formerly Invitae), Labcorp
Classification: Uncertain significance. Last evaluated: 2025-08-23. Review status: criteria provided, single submitter. Criteria: Invitae Variant Classification Sherloc (09022015). Collection method: clinical testing. Allele origin: germline.
Comment: This sequence change falls in intron 39 of the MYH9 gene. It does not directly change the encoded amino acid sequence of the MYH9 protein. This variant is present in population databases (rs778668519, gnomAD 0.002%). This variant has not been reported in the literature in individuals affected with MYH9-related conditions. Algorithms developed to predict the effect of sequence changes on RNA splicing suggest that this variant may create or strengthen a splice site. In summary, the available evidence is currently insufficient to determine the role of this variant in disease. Therefore, it has been classified as a Variant of Uncertain Significance.